The following is an entry in ClinVar:

ClinVar aggregate classification (germline): Uncertain significance (1 of 4 stars; one submission).

Submission:

Labcorp Genetics (formerly Invitae), Labcorp
Classification: Uncertain significance. Last evaluated: 2022-03-29. Review status: criteria provided, single submitter. Criteria: Invitae Variant Classification Sherloc (09022015). Collection method: clinical testing. Allele origin: germline.
Comment: This sequence change replaces glutamic acid, which is acidic and polar, with glycine, which is neutral and non-polar, at codon 913 of the EFL1 protein (p.Glu913Gly). In summary, the available evidence is currently insufficient to determine the role of this variant in disease. Therefore, it has been classified as a Variant of Uncertain Significance. Algorithms developed to predict the effect of missense changes on protein structure and function output the following: SIFT: "Tolerated"; PolyPhen-2: "Benign"; Align-GVGD: "Class C0". The glycine amino acid residue is found in multiple mammalian species, which suggests that this missense change does not adversely affect protein function. This variant has not been reported in the literature in individuals affected with EFL1-related conditions. This variant is not present in population databases (gnomAD no frequency).

NM_024580.6(EFL1):c.2738A>G (p.Glu913Gly)

Gene: EFL1 (elongation factor like GTPase 1; minus strand). Cytogenetic location: 15q25.2.
Variant type: single nucleotide variant.
Coding change: c.2738A>G on transcript NM_024580.6 (MANE Select); coding-DNA position 2738, A replaced by G.
Protein change: p.Glu913Gly; replaces glutamic acid 913 with glycine.
Molecular consequence: missense variant. On other transcripts: non-coding transcript variant (1).
Genome position (GRCh38, 1-based): chr15:82,151,716, T>C on the plus strand (A>G on the coding strand, the complement: EFL1 is on the minus strand). VCF-style: chr15-82151716-T-C. GRCh37 (hg19) VCF-style: chr15-82444057-T-C.
Other names: c.2585A>G, p.Glu862Gly (NM_001040610.3); c.1949A>G, p.Glu650Gly (NM_001322844.2); c.2738A>G, p.Glu913Gly (NM_001322845.2); short protein forms E650G, E862G, E913G.
Identifiers: ClinVar variation 2119438 (VCV002119438.4), dbSNP rs2505308483, ClinGen allele CA393286775.